The following is an entry in ClinVar:

ClinVar aggregate classification (germline): Likely benign (1 of 4 stars; one submission).

Conditions:
Myoglobinuria, acute recurrent, autosomal recessive. Also called: MYOGLOBINURIA, FAMILIAL PAROXYSMAL PARALYTIC; RHABDOMYOLYSIS, ACUTE RECURRENT; Myoglobinuria, recurrent, autosomal recessive. Identifiers: Orphanet 99845, MedGen C1849386, MONDO:0009992, OMIM 268200.

Allele frequency attached by ClinVar (database versions not stated): gnomAD 0.00038 and 0.00039; 1000 Genomes Project 0.00040; TOPMed 0.00043; 1000 Genomes Project 30x 0.00078.

Submission:

Illumina Laboratory Services, Illumina
Classification: Likely benign for Myoglobinuria, acute recurrent, autosomal recessive. Last evaluated: 2018-01-12. Review status: criteria provided, single submitter. Criteria: ICSL Variant Classification Criteria 13 December 2019. Collection method: clinical testing. Allele origin: germline.
Comment: This variant was observed in the ICSL laboratory as part of a predisposition screen in an ostensibly healthy population. It had not been previously curated by ICSL or reported in the Human Gene Mutation Database (HGMD: prior to June 1st, 2018), and was therefore a candidate for classification through an automated scoring system. Utilizing variant allele frequency, disease prevalence and penetrance estimates, and inheritance mode, an automated score was calculated to assess if this variant is too frequent to cause the disease. Based on the score and internal cut-off values, a variant classified as likely benign is not then subjected to further curation. The score for this variant resulted in a classification of likely benign for this disease.

NM_001349206.2(LPIN1):c.*2274C>G

Gene: LPIN1 (lipin 1; plus strand). Cytogenetic location: 2p25.1.
Variant type: single nucleotide variant.
Coding change: c.*2274C>G on transcript NM_001349206.2 (MANE Select); 2274 bases downstream of the stop codon, C replaced by G.
Molecular consequence: 3 prime UTR variant. On other transcripts: non-coding transcript variant (1).
Genome position (GRCh38, 1-based): chr2:11,827,065, C>G. VCF-style: chr2-11827065-C-G. GRCh37 (hg19) VCF-style: chr2-11967191-C-G.
Other names: c.*2274C>G (NM_001261427.3, NM_001261428.3, NM_001349199.2 and 9 more transcripts).
Identifiers: ClinVar variation 330955 (VCV000330955.5), dbSNP rs184826929, ClinGen allele CA10612095.
Genomic context (GRCh38, chr2:11,827,065, plus strand): 5'-TTGGTTTATCTTTGTGTACATGACTATAACCCAGTGATGCTGAGGTCATGTGCTGGAATG[C>G]TGTATTTGGACCACACATTTCAAAGTTGCCCTATGGAAATGAATCCTACTTAGTGACAAG-3'